The following is an entry in ClinVar:

ClinVar aggregate classification (germline): Uncertain significance (1 of 4 stars; one submission).

Conditions:
Primary ciliary dyskinesia. Also called: Ciliary dyskinesia. Identifiers: Orphanet 244, MedGen C0008780, MONDO:0016575, HP:0012265.

Submission:

Labcorp Genetics (formerly Invitae), Labcorp
Classification: Uncertain significance for Primary ciliary dyskinesia. Last evaluated: 2022-05-31. Review status: criteria provided, single submitter. Criteria: Invitae Variant Classification Sherloc (09022015). Collection method: clinical testing. Allele origin: germline.
Comment: In summary, the available evidence is currently insufficient to determine the role of this variant in disease. Therefore, it has been classified as a Variant of Uncertain Significance. This variant has not been reported in the literature in individuals affected with ZMYND10-related conditions. A copy number gain of the genomic region encompassing the full coding sequence of the ZMYND10 gene has been identified. The boundaries of this event are unknown as they extend beyond the assayed region for this gene and therefore may encompass additional genes. As the precise location of this event is unknown, it may be in tandem or it may be located elsewhere in the genome.

NC_000003.11:g.(?_49866536)_(50540854_?)dup

Genes: CACNA2D2 (calcium voltage-gated channel auxiliary subunit alpha2delta 2; minus strand), CAMKV (CaM kinase like vesicle associated; minus strand), CYB561D2 (cytochrome b561 family member D2; plus strand), GNAI2 (G protein subunit alpha i2; plus strand), GNAT1 (G protein subunit alpha transducin 1; plus strand) and 20 more. Cytogenetic location: 3p21.31.
Variant type: Duplication.
Identifiers: ClinVar variation 2426218 (VCV002426218.2).